The following is an entry in ClinVar:

NM_000061.3(BTK):c.776+1del

Gene: BTK (Bruton tyrosine kinase; minus strand). Cytogenetic location: Xq22.1.
Variant type: Deletion.
Coding change: c.776+1del on transcript NM_000061.3 (MANE Select); the canonical splice donor site of the intron after coding-DNA position 776, one base deleted (G; older notation c.776+1delG).
Molecular consequence: splice donor variant.
Genome position (GRCh38, 1-based): chrX:101,360,567, C deleted on the plus strand (G on the coding strand, the reverse complement: BTK is on the minus strand); the first of 3 consecutive C bases (chrX:101,360,567-101,360,569); deleting any one gives the same sequence. VCF-style (leftmost placement, unchanged base first): chrX-101360566-AC-A. GRCh37 (hg19) VCF-style: chrX-100615554-AC-A.
Other names: c.878+1del (NM_001287344.2); c.776+1del (NM_001287345.2).
Identifiers: ClinVar variation 3899353 (VCV003899353.2).

ClinVar aggregate classification (germline): Likely pathogenic (1 of 4 stars; one submission).

Conditions:
X-linked agammaglobulinemia (XLA). Also called: IMMUNODEFICIENCY 1; Bruton-type agammaglobulinemia; Agammaglobulinemia, Bruton tyrosine kinase; Agammaglobulinemia, BTK; BTK-deficiency; Bruton's agammaglobulinemia. Identifiers: Orphanet 229717, Orphanet 47, MedGen C0221026, MONDO:0010421, OMIM 300755.
X-linked agammaglobulinemia with growth hormone deficiency (IGHD3). Also called: IGHD III; AGAMMAGLOBULINEMIA AND ISOLATED GROWTH HORMONE DEFICIENCY, X-LINKED; ISOLATED GROWTH HORMONE DEFICIENCY, TYPE III, WITH AGAMMAGLOBULINEMIA; FLEISHER SYNDROME; HYPOGAMMAGLOBULINEMIA AND ISOLATED GROWTH HORMONE DEFICIENCY, X-LINKED; Isolated growth hormone deficiency type 3. Identifiers: Orphanet 231692, Orphanet 631, MedGen C0472813, MONDO:0010615, OMIM 307200.

Submission:

Juno Genomics, Hangzhou Juno Genomics, Inc
Classification: Likely pathogenic for X-linked agammaglobulinemia; X-linked agammaglobulinemia with growth hormone deficiency. Review status: criteria provided, single submitter. Criteria: ACMG Guidelines, 2015. Collection method: clinical testing. Allele origin: germline. Affected: yes.
Comment: Absent from controls (or at extremely low frequency if recessive) in Genome Aggregation Database, Exome Sequencing Project, 1000 Genomes Project, or Exome Aggregation Consortium.;Null variant in a gene where loss of function (LOF) is a known mechanism of disease.